The following is an entry in ClinVar:

NM_000718.4(CACNA1B):c.2265C>T (p.Ala755=)

Genes: CACNA1B (calcium voltage-gated channel subunit alpha1 B; plus strand), LOC108254695 (9q34.3 CACNA1B recombination region; plus strand). Cytogenetic location: 9q34.3.
Variant type: single nucleotide variant.
Coding change: c.2265C>T on transcript NM_000718.4 (MANE Select); coding-DNA position 2265, C replaced by T.
Protein change: p.Ala755=; no amino-acid change (alanine 755 retained).
Molecular consequence: synonymous variant.
Genome position (GRCh38, 1-based): chr9:138,013,233, C>T. VCF-style: chr9-138013233-C-T. GRCh37 (hg19) VCF-style: chr9-140907685-C-T.
Other names: c.2265C>T, p.Ala755= (NM_001243812.2); c.2265C>T (NM_000718.3).
Identifiers: ClinVar variation 2179186 (VCV002179186.7), dbSNP rs199522980, ClinGen allele CA5376423.

ClinVar aggregate classification (germline): Likely benign. Review status: criteria provided, multiple submitters, no conflicts (2 of 4 stars). 3 submissions from 3 submitters: Likely benign (2). 1 of the submissions does not count toward it. Last evaluated 2026-08-01.

Conditions:
CACNA1B-related disorder. Also called: CACNA1B-related condition.

Allele frequency attached by ClinVar (database versions not stated): ExAC 0.00005; gnomAD 0.00005; gnomAD exomes 0.00005.
gnomAD v4.1: 89 of 1,587,334 alleles (0.0056%); highest among the groups gnomAD compares: East Asian, 0.027%; no homozygotes.

Submissions (3):

CeGaT Center for Human Genetics Tuebingen
Classification: Likely benign. Last evaluated: 2026-08-01. Review status: criteria provided, single submitter. Criteria: CeGaT Center For Human Genetics Tuebingen Variant Classification Criteria Version 2. Collection method: clinical testing. Allele origin: germline. Affected: yes. Observed: 1 variant allele.
Comment: CACNA1B: BP4, BP7

Labcorp Genetics (formerly Invitae), Labcorp
Classification: Likely benign. Last evaluated: 2025-05-11. Review status: criteria provided, single submitter. Criteria: Invitae Variant Classification Sherloc (09022015). Collection method: clinical testing. Allele origin: germline.

PreventionGenetics, part of Exact Sciences
Classification: Likely benign for CACNA1B-related condition. Last evaluated: 2019-05-07. Review status: no assertion criteria provided. Collection method: clinical testing. Allele origin: germline. Not counted in ClinVar's aggregate classification.
Comment: This variant is classified as likely benign based on ACMG/AMP sequence variant interpretation guidelines (Richards et al. 2015 PMID: 25741868, with internal and published modifications).